The following is an entry in ClinVar:

ClinVar aggregate classification (germline): Likely pathogenic (1 of 4 stars; one submission).

Submission:

GeneDx
Classification: Likely pathogenic. Last evaluated: 2026-02-21. Review status: criteria provided, single submitter. Criteria: GeneDx Variant Classification Process June 2021. Collection method: clinical testing. Allele origin: germline.
Comment: Not observed at significant frequency in large population cohorts (gnomAD); Canonical splice site variant with an unclear effect on protein function; Has not been previously published as pathogenic or benign to our knowledge

NM_130811.4(SNAP25):c.114+1G>A

Gene: SNAP25 (synaptosome associated protein 25; plus strand). Cytogenetic location: 20p12.2.
Variant type: single nucleotide variant.
Coding change: c.114+1G>A on transcript NM_130811.4 (MANE Select); the canonical splice donor site of the intron after coding-DNA position 114, G replaced by A.
Molecular consequence: splice donor variant.
Genome position (GRCh38, 1-based): chr20:10,277,727, G>A. VCF-style: chr20-10277727-G-A. GRCh37 (hg19) VCF-style: chr20-10258375-G-A.
Other names: c.114+1G>A (NM_001424416.1, NM_001322907.2, NM_001322910.2 and 9 more transcripts).
Identifiers: ClinVar variation 3906589 (VCV003906589.2).